The following is an entry in ClinVar:

NM_001011658.4(TRAPPC2):c.*1128C>T

Gene: TRAPPC2 (trafficking protein particle complex subunit 2; minus strand). Cytogenetic location: Xp22.2.
Variant type: single nucleotide variant.
Coding change: c.*1128C>T on transcript NM_001011658.4 (MANE Select); 1128 bases downstream of the stop codon, C replaced by T.
Molecular consequence: 3 prime UTR variant.
Genome position (GRCh38, 1-based): chrX:13,713,279, G>A on the plus strand (C>T on the coding strand, the complement: TRAPPC2 is on the minus strand). VCF-style: chrX-13713279-G-A. GRCh37 (hg19) VCF-style: chrX-13731398-G-A.
Other names: c.*1128C>T (NM_001128835.3, NM_014563.6).
Identifiers: ClinVar variation 913061 (VCV000913061.4), dbSNP rs181174972, ClinGen allele CA326090423.

ClinVar aggregate classification (germline): Benign (1 of 4 stars; one submission).

Conditions:
Spondyloepiphyseal dysplasia tarda (SEDT). Also called: SPONDYLOEPIPHYSEAL DYSPLASIA, LATE. Identifiers: Orphanet 93284, MedGen CN033239, MONDO:0019667.

Allele frequency attached by ClinVar (database versions not stated): gnomAD 0.00662 and 0.00702; 1000 Genomes Project 30x 0.00666; 1000 Genomes Project 0.00689; TOPMed 0.00731.

Submission:

Illumina Laboratory Services, Illumina
Classification: Benign for Spondyloepiphyseal dysplasia tarda, X-linked. Last evaluated: 2018-01-12. Review status: criteria provided, single submitter. Criteria: ICSL Variant Classification Criteria 13 December 2019. Collection method: clinical testing. Allele origin: germline.
Comment: This variant was observed in the ICSL laboratory as part of a predisposition screen in an ostensibly healthy population. It had not been previously curated by ICSL or reported in the Human Gene Mutation Database (HGMD: prior to June 1st, 2018), and was therefore a candidate for classification through an automated scoring system. Utilizing variant allele frequency, disease prevalence and penetrance estimates, and inheritance mode, an automated score was calculated to assess if this variant is too frequent to cause the disease. Based on the score and internal cut-off values, a variant classified as benign is not then subjected to further curation. The score for this variant resulted in a classification of benign for this disease.